The following is an entry in ClinVar:

ClinVar aggregate classification (germline): Likely pathogenic. Review status: criteria provided, multiple submitters, no conflicts (2 of 4 stars). 2 submissions from 2 submitters: Likely pathogenic (2). Last evaluated 2024-09-03.

Conditions:
Pyridoxine-dependent epilepsy (EPEO4). Also called: Pyridoxine-Dependent Epilepsy - ALDH7A1; Pyridoxine-Dependent Seizures; PYRIDOXINE DEPENDENCY WITH SEIZURES; EPILEPSY, EARLY-ONSET, 4, VITAMIN B6-DEPENDENT. Identifiers: Orphanet 3006, MedGen C1849508, MONDO:0009945, OMIM 266100. Disease mechanism: loss of function.

Submissions (2):

GeneDx
Classification: Likely pathogenic. Last evaluated: 2024-09-03. Review status: criteria provided, single submitter. Criteria: GeneDx Variant Classification Process June 2021. Collection method: clinical testing. Allele origin: germline. Affected: yes.
Comment: Frameshift variant predicted to result in protein truncation or nonsense mediated decay in a gene for which loss of function is a known mechanism of disease; Not observed at significant frequency in large population cohorts (gnomAD); Has not been previously published as pathogenic or benign to our knowledge

Women's Health and Genetics/Laboratory Corporation of America, LabCorp
Classification: Likely pathogenic for Pyridoxine-dependent epilepsy. Last evaluated: 2022-05-19. Review status: criteria provided, single submitter. Criteria: LabCorp Variant Classification Summary - May 2015. Collection method: clinical testing. Allele origin: germline.
Comment: Variant summary: ALDH7A1 c.76_82delGCCGCCT (p.Ala26SerfsX15) results in a premature termination codon, predicted to cause a truncation of the encoded protein or absence of the protein due to nonsense mediated decay, which are commonly known mechanisms for disease. Truncations downstream of this position have been classified as pathogenic by our laboratory and observed in the HGMD database. The variant was absent in 201224 control chromosomes in version 2 of the gnomAD database and was filtered for not being a high quality genotype (annotated as AC0 for allele count 0). The variant is however reported as having passed quality filters in version 3 of the gnomAD database at a frequency of 0.000006569 in 152220 chromosomes. To our knowledge, no occurrence of c.76_82delGCCGCCT in individuals affected with Pyridoxine-Dependent Epilepsy and no experimental evidence demonstrating its impact on protein function have been reported. One clinical diagnostic laboratory has submitted clinical-significance assessments for this variant to ClinVar after 2014 without evidence for independent evaluation and classified the variant as uncertain significance. Based on the evidence outlined above, due to the rarity of this variant and a presumed true positive genotype ascertained in gnomAD v3.0, the variant was classified as likely pathogenic.

NM_001182.5(ALDH7A1):c.76_82del (p.Ala26fs)

Gene: ALDH7A1 (aldehyde dehydrogenase 7 family member A1; minus strand). Cytogenetic location: 5q23.2.
Variant type: Deletion.
Coding change: c.76_82del on transcript NM_001182.5 (MANE Select); coding-DNA positions 76 to 82, 7 bases deleted (GCCGCCT; older notation c.76_82delGCCGCCT).
Protein change: p.Ala26fs; shifts the reading frame from alanine 26.
Molecular consequence: frameshift variant. On other transcripts: 5 prime UTR variant (1).
Genome position (GRCh38, 1-based): chr5:126,595,117-126,595,123, AGGCGGC deleted on the plus strand (GCCGCCT on the coding strand, the reverse complement: ALDH7A1 is on the minus strand); deleting any 7 consecutive bases within chr5:126,595,117-126,595,127 gives the same sequence; the c. name uses the placement nearest the transcript's 3' end. VCF-style (leftmost placement, unchanged base first): chr5-126595116-AAGGCGGC-A. GRCh37 (hg19) VCF-style: chr5-125930808-AAGGCGGC-A.
Other names: c.76_82delGCCGCCT (NM_001182.4); c.-9_-3del (NM_001201377.2); c.76_82del, p.Ala26fs (NM_001202404.2); short protein forms A26fs.
Identifiers: ClinVar variation 1344990 (VCV001344990.5), dbSNP rs1373022366, ClinGen allele CA562281675.